The following is an entry in ClinVar:

ClinVar aggregate classification (germline): Pathogenic. Review status: criteria provided, multiple submitters, no conflicts (2 of 4 stars). 2 submissions from 2 submitters: Pathogenic (2). Last evaluated 2024-07-04.

Conditions:
Achromatopsia 2 (ACHM2). Also called: COLORBLINDNESS, TOTAL; ROD MONOCHROMACY 2; ROD MONOCHROMATISM 2. Identifiers: Orphanet 49382, MedGen C1857618, MONDO:0009003, OMIM 216900.

Allele frequency attached by ClinVar (database versions not stated): TOPMed 0.00001; gnomAD exomes 0.00002.
gnomAD v4.1: 6 of 1,614,038 alleles (0.00037%); highest among the groups gnomAD compares: East Asian, 0.011%; no homozygotes.

Submissions (2):

Labcorp Genetics (formerly Invitae), Labcorp
Classification: Pathogenic. Last evaluated: 2024-07-04. Review status: criteria provided, single submitter. Criteria: Invitae Variant Classification Sherloc (09022015). Collection method: clinical testing. Allele origin: germline.
Comment: This sequence change creates a premature translational stop signal (p.Ser21*) in the CNGA3 gene. It is expected to result in an absent or disrupted protein product. Loss-of-function variants in CNGA3 are known to be pathogenic (PMID: 14757870, 24903488, 25637600). This variant is present in population databases (no rsID available, gnomAD 0.03%). This premature translational stop signal has been observed in individual(s) with CNGA3-related conditions (PMID: 24903488, 25637600). This variant is also known as p.S31X. ClinVar contains an entry for this variant (Variation ID: 1687513). For these reasons, this variant has been classified as Pathogenic.

3billion
Classification: Pathogenic for Achromatopsia 2. Last evaluated: 2022-05-22. Review status: criteria provided, single submitter. Criteria: ACMG Guidelines, 2015. Collection method: clinical testing. Allele origin: germline. Affected: yes. Observed: 1 heterozygote.
Comment: The variant is observed at an extremely low frequency in the gnomAD v2.1.1 dataset (total allele frequency: 0.002%). Stop-gained (nonsense): predicted to result in a loss or disruption of normal protein function through nonsense-mediated decay (NMD) or protein truncation. Multiple pathogenic variants are reported downstream of the variant. The variant has been reported to be associated with CNGA3 related disorder (PMID: 24903488). Therefore, this variant is classified as pathogenic according to the recommendation of ACMG/AMP guideline.

Literature cited by the submitters: PubMed 14757870 (cited by Labcorp Genetics (formerly Invitae), Labcorp); PubMed 24903488 (cited by Labcorp Genetics (formerly Invitae), Labcorp and 3billion); PubMed 25637600 (cited by Labcorp Genetics (formerly Invitae), Labcorp).

NM_001298.3(CNGA3):c.62C>G (p.Ser21Ter)

Gene: CNGA3 (cyclic nucleotide gated channel subunit alpha 3; plus strand). Cytogenetic location: 2q11.2.
Variant type: single nucleotide variant.
Coding change: c.62C>G on transcript NM_001298.3 (MANE Select); coding-DNA position 62, C replaced by G.
Protein change: p.Ser21Ter; replaces serine 21 with a stop codon.
Molecular consequence: nonsense.
Genome position (GRCh38, 1-based): chr2:98,370,037, C>G. VCF-style: chr2-98370037-C-G. GRCh37 (hg19) VCF-style: chr2-98986500-C-G.
Other names: c.62C>G, p.Ser21Ter (NM_001079878.2); short protein forms S21*.
Identifiers: ClinVar variation 1687513 (VCV001687513.7), dbSNP rs1402442627, ClinGen allele CA347828856.
Genomic context (GRCh38, chr2:98,370,037, plus strand): 5'-TGGCCAAGATCAACACCCAATACTCCCACCCCTCCAGGACCCACCTCAAGGTAAAGACCT[C>G]AGACCGAGATCTCAATCGCGCTGAAAATGGCCTCAGCAGGTAAGATGGGCTAAGATGGGC-3'